The following is an entry in ClinVar:

NM_007272.3(CTRC):c.71C>T (p.Pro24Leu)

Gene: CTRC (chymotrypsin C; plus strand). Cytogenetic location: 1p36.21.
Variant type: single nucleotide variant.
Coding change: c.71C>T on transcript NM_007272.3 (MANE Select); coding-DNA position 71, C replaced by T.
Protein change: p.Pro24Leu; replaces proline 24 with leucine.
Molecular consequence: missense variant.
Genome position (GRCh38, 1-based): chr1:15,440,330, C>T. VCF-style: chr1-15440330-C-T. GRCh37 (hg19) VCF-style: chr1-15766826-C-T.
Other names: short protein forms P24L.
Identifiers: ClinVar variation 937132 (VCV000937132.10), dbSNP rs1241494944, ClinGen allele CA338564513.

ClinVar aggregate classification (germline): Uncertain significance. Review status: criteria provided, multiple submitters, no conflicts (2 of 4 stars). 2 submissions from 2 submitters: Uncertain significance (2). Last evaluated 2025-10-06.

Conditions:
Hereditary pancreatitis (PCTT). Also called: PRSS1-Related Hereditary Pancreatitis; Hereditary chronic pancreatitis. Identifiers: Orphanet 676, MedGen C0238339, MONDO:0008185, OMIM 167800.

Allele frequency attached by ClinVar (database versions not stated): gnomAD 0.00001; gnomAD exomes 0.00001.
gnomAD v4.1: 5 of 1,610,390 alleles (0.00031%); highest among the groups gnomAD compares: African/African-American, 0.0027%; no homozygotes.

Submissions (2):

Ambry Genetics
Classification: Uncertain significance for Hereditary pancreatitis. Last evaluated: 2025-10-06. Review status: criteria provided, single submitter. Criteria: Ambry Variant Classification Scheme 2023. Collection method: clinical testing. Allele origin: germline.
Comment: The p.P24L variant (also known as c.71C>T), located in coding exon 2 of the CTRC gene, results from a C to T substitution at nucleotide position 71. The proline at codon 24 is replaced by leucine, an amino acid with similar properties. This amino acid position is highly conserved in available vertebrate species. In addition, this alteration is predicted to be deleterious by in silico analysis. Based on the available evidence, the clinical significance of this variant remains unclear.

Labcorp Genetics (formerly Invitae), Labcorp
Classification: Uncertain significance for Hereditary pancreatitis. Last evaluated: 2022-10-19. Review status: criteria provided, single submitter. Criteria: Invitae Variant Classification Sherloc (09022015). Collection method: clinical testing. Allele origin: germline.
Comment: In summary, the available evidence is currently insufficient to determine the role of this variant in disease. Therefore, it has been classified as a Variant of Uncertain Significance. Advanced modeling of protein sequence and biophysical properties (such as structural, functional, and spatial information, amino acid conservation, physicochemical variation, residue mobility, and thermodynamic stability) performed at Invitae indicates that this missense variant is expected to disrupt CTRC protein function. ClinVar contains an entry for this variant (Variation ID: 937132). This variant has not been reported in the literature in individuals affected with CTRC-related conditions. This variant is present in population databases (no rsID available, gnomAD 0.01%). This sequence change replaces proline, which is neutral and non-polar, with leucine, which is neutral and non-polar, at codon 24 of the CTRC protein (p.Pro24Leu).